The following is an entry in ClinVar:

NM_194454.3(KRIT1):c.249C>G (p.Asn83Lys)

Gene: KRIT1 (KRIT1 ankyrin repeat containing; minus strand). Cytogenetic location: 7q21.2.
Variant type: single nucleotide variant.
Coding change: c.249C>G on transcript NM_194454.3 (MANE Select); coding-DNA position 249, C replaced by G.
Protein change: p.Asn83Lys; replaces asparagine 83 with lysine.
Molecular consequence: missense variant. On other transcripts: 5 prime UTR variant (1).
Genome position (GRCh38, 1-based): chr7:92,241,006, G>C on the plus strand (C>G on the coding strand, the complement: KRIT1 is on the minus strand). VCF-style: chr7-92241006-G-C. GRCh37 (hg19) VCF-style: chr7-91870320-G-C.
Other names: c.249C>G, p.Asn83Lys (NM_001013406.2, NM_001350669.1, NM_001350670.1 and 29 more transcripts); c.-335C>G (NM_001350671.1); short protein forms N83K.
Identifiers: ClinVar variation 3371620 (VCV003371620.1).

ClinVar aggregate classification (germline): Uncertain significance (1 of 4 stars; one submission).

Submission:

GeneDx
Classification: Uncertain significance. Last evaluated: 2024-03-27. Review status: criteria provided, single submitter. Criteria: GeneDx Variant Classification Process June 2021. Collection method: clinical testing. Allele origin: germline. Affected: yes.
Comment: Not observed at significant frequency in large population cohorts (gnomAD); In silico analysis supports that this missense variant has a deleterious effect on protein structure/function; Has not been previously published as pathogenic or benign to our knowledge